The following is an entry in ClinVar:

ClinVar aggregate classification (germline): Likely benign. Review status: criteria provided, single submitter (1 of 4 stars). 2 submissions from 2 submitters: Likely benign (1). 1 of the submissions does not count toward it. Last evaluated 2025-12-09.

Conditions:
Autosomal dominant nonsyndromic hearing loss 20. Identifiers: Orphanet 90635, MedGen C1858172, MONDO:0011480, OMIM 604717.
Baraitser-winter syndrome 2. Identifiers: Orphanet 2995, MedGen C3281235, MONDO:0013812, OMIM 614583.
ACTG1-related disorder. Also called: ACTG1-related disorders; ACTG1-related condition.

Allele frequency attached by ClinVar (database versions not stated): ExAC 0.00001; gnomAD 0.00001; gnomAD exomes 0.00002.

Submissions (2):

Labcorp Genetics (formerly Invitae), Labcorp
Classification: Likely benign for Baraitser-winter syndrome 2; Autosomal dominant nonsyndromic hearing loss 20. Last evaluated: 2025-12-09. Review status: criteria provided, single submitter. Criteria: Invitae Variant Classification Sherloc (09022015). Collection method: clinical testing. Allele origin: germline.

PreventionGenetics, part of Exact Sciences
Classification: Likely benign for ACTG1-related condition. Last evaluated: 2020-07-02. Review status: no assertion criteria provided. Collection method: clinical testing. Allele origin: germline. Not counted in ClinVar's aggregate classification.
Comment: This variant is classified as likely benign based on ACMG/AMP sequence variant interpretation guidelines (Richards et al. 2015 PMID: 25741868, with internal and published modifications).

NM_001614.5(ACTG1):c.876C>T (p.Asp292=)

Gene: ACTG1 (actin gamma 1; minus strand). Cytogenetic location: 17q25.3.
Variant type: single nucleotide variant.
Coding change: c.876C>T on transcript NM_001614.5 (MANE Select); coding-DNA position 876, C replaced by T.
Protein change: p.Asp292=; no amino-acid change (aspartic acid 292 retained).
Molecular consequence: synonymous variant. On other transcripts: non-coding transcript variant (1).
Genome position (GRCh38, 1-based): chr17:81,511,035, G>A on the plus strand (C>T on the coding strand, the complement: ACTG1 is on the minus strand). VCF-style: chr17-81511035-G-A. GRCh37 (hg19) VCF-style: chr17-79478061-G-A.
Other names: c.876C>T (NM_001614.3); c.876C>T, p.Asp292= (NM_001199954.3).
Identifiers: ClinVar variation 1921034 (VCV001921034.7), dbSNP rs11549211, ClinGen allele CA8835918.
Genomic context (GRCh38, chr17:81,511,035, plus strand): 5'-CCTGTCGGCAATGCCCGGGTACATGGTGGTGCCGCCCGACAGCACCGTGTTGGCGTACAG[G>A]TCTTTGCGGATGTCCACGTCACACTTCATGATGGAGTTGAAGGTGGTCTCGTGGATGCCG-3'
Protein context (NP_001605.1, residues 282-302): IMKCDVDIRK[Asp292=]LYANTVLSGG